The following is an entry in ClinVar:

ClinVar aggregate classification (germline): Uncertain significance (1 of 4 stars; one submission).

Conditions:
Dilated cardiomyopathy 1O (CMD1O). Also called: CARDIOMYOPATHY, DILATED, WITH VENTRICULAR TACHYCARDIA. Identifiers: Orphanet 154, MedGen C1837839, MONDO:0012062, OMIM 608569.

Submission:

Labcorp Genetics (formerly Invitae), Labcorp
Classification: Uncertain significance for Dilated cardiomyopathy 1O. Last evaluated: 2025-03-25. Review status: criteria provided, single submitter. Criteria: Invitae Variant Classification Sherloc (09022015). Collection method: clinical testing. Allele origin: germline.
Comment: This sequence change replaces glutamic acid, which is acidic and polar, with lysine, which is basic and polar, at codon 920 of the ABCC9 protein (p.Glu920Lys). This variant is not present in population databases (gnomAD no frequency). This variant has not been reported in the literature in individuals affected with ABCC9-related conditions. Invitae Evidence Modeling of protein sequence and biophysical properties (such as structural, functional, and spatial information, amino acid conservation, physicochemical variation, residue mobility, and thermodynamic stability) has been performed for this missense variant. However, the output from this modeling did not meet the statistical confidence thresholds required to predict the impact of this variant on ABCC9 protein function. In summary, the available evidence is currently insufficient to determine the role of this variant in disease. Therefore, it has been classified as a Variant of Uncertain Significance.

NM_020297.4(ABCC9):c.2758G>A (p.Glu920Lys)

Gene: ABCC9 (ATP binding cassette subfamily C member 9; minus strand). Cytogenetic location: 12p12.1.
Variant type: single nucleotide variant.
Coding change: c.2758G>A on transcript NM_020297.4 (MANE Select); coding-DNA position 2758, G replaced by A.
Protein change: p.Glu920Lys; replaces glutamic acid 920 with lysine.
Molecular consequence: missense variant.
Genome position (GRCh38, 1-based): chr12:21,852,108, C>T on the plus strand (G>A on the coding strand, the complement: ABCC9 is on the minus strand). VCF-style: chr12-21852108-C-T. GRCh37 (hg19) VCF-style: chr12-22005042-C-T.
Other names: c.2758G>A, p.Glu920Lys (NM_001377273.1, NM_005691.4); c.1891G>A, p.Glu631Lys (NM_001377274.1); short protein forms E920K, E631K.
Identifiers: ClinVar variation 4745804 (VCV004745804.1).